The following is an entry in ClinVar:

NM_152783.5(D2HGDH):c.360C>G (p.His120Gln)

Gene: D2HGDH (D-2-hydroxyglutarate dehydrogenase; plus strand). Cytogenetic location: 2q37.3.
Variant type: single nucleotide variant.
Coding change: c.360C>G on transcript NM_152783.5 (MANE Select); coding-DNA position 360, C replaced by G.
Protein change: p.His120Gln; replaces histidine 120 with glutamine.
Molecular consequence: missense variant. On other transcripts: 5 prime UTR variant (2), non-coding transcript variant (1).
Genome position (GRCh38, 1-based): chr2:241,742,444, C>G. VCF-style: chr2-241742444-C-G. GRCh37 (hg19) VCF-style: chr2-242681859-C-G.
Other names: c.-43C>G (NM_001287249.2); c.-185C>G (NM_001352824.2); short protein forms H120Q.
Identifiers: ClinVar variation 4237251 (VCV004237251.2).
Genomic context (GRCh38, chr2:241,742,444, plus strand): 5'-TGGCGTAGGGGTGGGGACAGAGCCCCAACGTCCCTCCTGTCCTCATCCCAGGCACTGCCA[C>G]GAGAGGAACCTGGCCGTGAACCCACAGGGGGGCAACACAGGCATGGTGGGTGGCAGCGTC-3'
Protein context (NP_689996.4, residues 110-130): EEVSHILRHC[His120Gln]ERNLAVNPQG

ClinVar aggregate classification (germline): Uncertain significance. Review status: criteria provided, multiple submitters, no conflicts (2 of 4 stars). 2 submissions from 2 submitters: Uncertain significance (2). Last evaluated 2025-08-11.

Conditions:
Inborn genetic diseases. Identifiers: MedGen C0950123, MeSH D030342.
D-2-hydroxyglutaric aciduria 1 (D2HGA1). Identifiers: Orphanet 79315, MedGen C3152055, MONDO:0024554, OMIM 600721.

Submissions (2):

Ambry Genetics
Classification: Uncertain significance for Inborn genetic diseases. Last evaluated: 2025-08-11. Review status: criteria provided, single submitter. Criteria: Ambry Variant Classification Scheme 2023. Collection method: clinical testing. Allele origin: germline.

Labcorp Genetics (formerly Invitae), Labcorp
Classification: Uncertain significance for D-2-hydroxyglutaric aciduria 1. Last evaluated: 2025-04-02. Review status: criteria provided, single submitter. Criteria: Invitae Variant Classification Sherloc (09022015). Collection method: clinical testing. Allele origin: germline.
Comment: This sequence change replaces histidine, which is basic and polar, with glutamine, which is neutral and polar, at codon 120 of the D2HGDH protein (p.His120Gln). This variant is not present in population databases (gnomAD no frequency). This variant has not been reported in the literature in individuals affected with D2HGDH-related conditions. Invitae Evidence Modeling of protein sequence and biophysical properties (such as structural, functional, and spatial information, amino acid conservation, physicochemical variation, residue mobility, and thermodynamic stability) indicates that this missense variant is not expected to disrupt D2HGDH protein function with a negative predictive value of 95%. In summary, the available evidence is currently insufficient to determine the role of this variant in disease. Therefore, it has been classified as a Variant of Uncertain Significance.